The following is an entry in ClinVar:

ClinVar aggregate classification (germline): Likely benign (1 of 4 stars; one submission).

Submission:

CeGaT Center for Human Genetics Tuebingen
Classification: Likely benign. Last evaluated: 2026-05-01. Review status: criteria provided, single submitter. Criteria: CeGaT Center For Human Genetics Tuebingen Variant Classification Criteria Version 2. Collection method: clinical testing. Allele origin: germline. Affected: yes. Observed: 5 variant alleles.
Comment: ZFPM1: BP4

NM_153813.3(ZFPM1):c.1335T>C (p.Pro445=)

Gene: ZFPM1 (zinc finger protein, FOG family member 1; plus strand). Cytogenetic location: 16q24.2.
Variant type: single nucleotide variant.
Coding change: c.1335T>C on transcript NM_153813.3 (MANE Select); coding-DNA position 1335, T replaced by C.
Protein change: p.Pro445=; no amino-acid change (proline 445 retained).
Molecular consequence: synonymous variant.
Genome position (GRCh38, 1-based): chr16:88,533,293, T>C. VCF-style: chr16-88533293-T-C. GRCh37 (hg19) VCF-style: chr16-88599701-T-C.
Identifiers: ClinVar variation 4534750 (VCV004534750.6).